The following is an entry in ClinVar:

NM_001379286.1(ZNF423):c.1253G>A (p.Ser418Asn)

Gene: ZNF423 (zinc finger protein 423; minus strand). Cytogenetic location: 16q12.1.
Variant type: single nucleotide variant.
Coding change: c.1253G>A on transcript NM_001379286.1 (MANE Select); coding-DNA position 1253, G replaced by A.
Protein change: p.Ser418Asn; replaces serine 418 with asparagine.
Molecular consequence: missense variant.
Genome position (GRCh38, 1-based): chr16:49,637,923, C>T on the plus strand (G>A on the coding strand, the complement: ZNF423 is on the minus strand). VCF-style: chr16-49637923-C-T. GRCh37 (hg19) VCF-style: chr16-49671834-C-T.
Other names: c.1049G>A, p.Ser350Asn (NM_001271620.2); c.878G>A, p.Ser293Asn (NM_001330533.2); c.1229G>A, p.Ser410Asn (NM_015069.5); c.1229G>A (NM_015069.2, NM_015069.4); short protein forms S293N, S350N, S410N, S418N.
Identifiers: ClinVar variation 1009813 (VCV001009813.9), dbSNP rs368014239, ClinGen allele CA8046719.

ClinVar aggregate classification (germline): Uncertain significance. Review status: criteria provided, multiple submitters, no conflicts (2 of 4 stars). 4 submissions from 4 submitters: Uncertain significance (4). Last evaluated 2026-05-21.

Conditions:
ZNF423-related disorder. Also called: ZNF423-related condition.
Nephronophthisis 14 (NPHP14). Identifiers: Orphanet 2318, MedGen C3539071, MONDO:0013916, OMIM 614844.

Allele frequency attached by ClinVar (database versions not stated): ExAC 0.00005; gnomAD exomes 0.00005 and 0.00012; TOPMed 0.00005; gnomAD 0.00006; ESP Exome Variant Server 0.00015; 1000 Genomes Project 30x 0.00016; 1000 Genomes Project 0.00020.
gnomAD v4.1: 181 of 1,614,176 alleles (0.011%); highest among the groups gnomAD compares: Non-Finnish European, 0.014%; no homozygotes.

Submissions (4):

PreventionGenetics, part of Exact Sciences
Classification: Uncertain significance for ZNF423-related condition. Last evaluated: 2026-05-21. Review status: criteria provided, single submitter. Criteria: ACMG Guidelines, 2015. Collection method: clinical testing. Allele origin: germline.
Comment: The ZNF423 c.1229G>A variant is predicted to result in the amino acid substitution p.Ser410Asn. To our knowledge, this variant has not been reported in the literature. This variant is reported in 0.010% of alleles in individuals of European (Non-Finnish) descent in gnomAD. At this time, the clinical significance of this variant is uncertain due to the absence of conclusive functional and genetic evidence.

Ambry Genetics
Classification: Uncertain significance. Last evaluated: 2024-09-03. Review status: criteria provided, single submitter. Criteria: Ambry Variant Classification Scheme 2023. Collection method: clinical testing. Allele origin: germline.

Blueprint Genetics
Classification: Uncertain significance. Last evaluated: 2024-04-17. Review status: criteria provided, single submitter. Criteria: ACMG Guidelines, 2015. Collection method: clinical testing. Allele origin: germline.

Labcorp Genetics (formerly Invitae), Labcorp
Classification: Uncertain significance for Nephronophthisis 14. Last evaluated: 2022-10-17. Review status: criteria provided, single submitter. Criteria: Invitae Variant Classification Sherloc (09022015). Collection method: clinical testing. Allele origin: germline.
Comment: This sequence change replaces serine, which is neutral and polar, with asparagine, which is neutral and polar, at codon 410 of the ZNF423 protein (p.Ser410Asn). This variant is present in population databases (rs368014239, gnomAD 0.01%). This variant has not been reported in the literature in individuals affected with ZNF423-related conditions. ClinVar contains an entry for this variant (Variation ID: 1009813). Advanced modeling of protein sequence and biophysical properties (such as structural, functional, and spatial information, amino acid conservation, physicochemical variation, residue mobility, and thermodynamic stability) performed at Invitae indicates that this missense variant is not expected to disrupt ZNF423 protein function. In summary, the available evidence is currently insufficient to determine the role of this variant in disease. Therefore, it has been classified as a Variant of Uncertain Significance.